The following is an entry in ClinVar:

NM_001267550.2(TTN):c.85230_85231del (p.Asp28410fs)

Genes: TTN (titin; minus strand), TTN-AS1 (TTN antisense RNA 1; plus strand). Cytogenetic location: 2q31.2.
Variant type: Deletion.
Coding change: c.85230_85231del on transcript NM_001267550.2 (MANE Select); coding-DNA positions 85230 to 85231, 2 bases deleted (CA; older notation c.85230_85231delCA).
Protein change: p.Asp28410fs; shifts the reading frame from aspartic acid 28410.
Molecular consequence: frameshift variant.
Genome position (GRCh38, 1-based): chr2:178,560,901-178,560,902, TG deleted on the plus strand (CA on the coding strand, the reverse complement: TTN is on the minus strand); deleting any 2 consecutive bases within chr2:178,560,901-178,560,903 gives the same sequence; the c. name uses the placement nearest the transcript's 3' end. VCF-style (leftmost placement, unchanged base first): chr2-178560900-TTG-T. GRCh37 (hg19) VCF-style: chr2-179425627-TTG-T.
Other names: c.80307_80308del, p.Asp26769fs (NM_001256850.1); c.58035_58036del, p.Asp19345fs (NM_003319.4); c.77526_77527del, p.Asp25842fs (NM_133378.4); c.58410_58411del, p.Asp19470fs (NM_133432.3); c.58611_58612del, p.Asp19537fs (NM_133437.4); short protein forms D19345fs, D19470fs, D19537fs, D25842fs, D26769fs, D28410fs.
Identifiers: ClinVar variation 3754366 (VCV003754366.2).
Genomic context (GRCh38, chr2:178,560,900, plus strand): 5'-GTTAGTACATATTGCCCAGTGTCTCGTCTTATACAGTCTTTAACTGTTAACAAAGTATGA[TTG>T]TCTGTTGAGATGATTTCTGTTCTTGCTCTTTCTTCAATTTCTATACCATCCTTGGCCCAG-3'

ClinVar aggregate classification (germline): Likely pathogenic (1 of 4 stars; one submission).

Conditions:
Autosomal recessive limb-girdle muscular dystrophy type 2J (LGMDR10). Also called: Limb-girdle muscular dystrophy, type 2J; MUSCULAR DYSTROPHY, LIMB-GIRDLE, AUTOSOMAL RECESSIVE 10. Identifiers: Orphanet 140922, MedGen C1837342, MONDO:0012127, OMIM 608807.
Dilated cardiomyopathy 1G (CMD1G). Identifiers: Orphanet 154, MedGen C1858763, MONDO:0011400, OMIM 604145.

Submission:

Labcorp Genetics (formerly Invitae), Labcorp
Classification: Likely pathogenic for Dilated cardiomyopathy 1G; Autosomal recessive limb-girdle muscular dystrophy type 2J. Last evaluated: 2024-02-02. Review status: criteria provided, single submitter. Criteria: Invitae Variant Classification Sherloc (09022015). Collection method: clinical testing. Allele origin: germline.
Comment: This sequence change creates a premature translational stop signal (p.Asp28410Glufs*8) in the TTN gene. While this is not anticipated to result in nonsense mediated decay, it is expected to create a truncated TTN protein. This variant is not present in population databases (gnomAD no frequency). This variant has not been reported in the literature in individuals affected with TTN-related conditions. This variant is located in the A band of TTN (PMID: 25589632). Truncating variants in this region are significantly overrepresented in patients affected with dilated cardiomyopathy (PMID: 25589632). Truncating variants in this region have also been reported in individuals affected with autosomal recessive centronuclear myopathy (PMID: 23975875). In summary, the currently available evidence indicates that the variant is pathogenic, but additional data are needed to prove that conclusively. Therefore, this variant has been classified as Likely Pathogenic.

Literature cited by the submitters: PubMed 25589632; PubMed 23975875.